The following is an entry in ClinVar:

ClinVar aggregate classification (germline): Uncertain significance (1 of 4 stars; one submission).

Conditions:
Hereditary cancer-predisposing syndrome. Also called: Hereditary Cancer Syndrome; Hereditary neoplastic syndrome; Tumor predisposition; Neoplastic Syndromes, Hereditary. Identifiers: Orphanet 140162, MedGen C0027672, MeSH D009386, MONDO:0015356.
Cardiovascular phenotype. Identifiers: MedGen CN230736.

Submission:

Ambry Genetics
Classification: Uncertain significance for Cardiovascular phenotype; Hereditary cancer-predisposing syndrome. Last evaluated: 2024-12-08. Review status: criteria provided, single submitter. Criteria: Ambry Variant Classification Scheme 2023. Collection method: clinical testing. Allele origin: germline.
Comment: The p.Q593H variant (also known as c.1779A>C), located in coding exon 15 of the LZTR1 gene, results from an A to C substitution at nucleotide position 1779. The glutamine at codon 593 is replaced by histidine, an amino acid with highly similar properties. This amino acid position is conserved. In addition, this alteration is predicted to be tolerated by in silico analysis. Based on the available evidence, the clinical significance of this variant remains unclear.

NM_006767.4(LZTR1):c.1779A>C (p.Gln593His)

Gene: LZTR1 (leucine zipper like post translational regulator 1; plus strand). Cytogenetic location: 22q11.21.
Variant type: single nucleotide variant.
Coding change: c.1779A>C on transcript NM_006767.4 (MANE Select); coding-DNA position 1779, A replaced by C.
Protein change: p.Gln593His; replaces glutamine 593 with histidine.
Molecular consequence: missense variant.
Genome position (GRCh38, 1-based): chr22:20,994,721, A>C. VCF-style: chr22-20994721-A-C. GRCh37 (hg19) VCF-style: chr22-21349010-A-C.
Other names: short protein forms Q593H.
Identifiers: ClinVar variation 3541728 (VCV003541728.1).
Genomic context (GRCh38, chr22:20,994,721, plus strand): 5'-CGTGGACCTGCAGAACGTGCTGGTTGTGTGCGAGAGTGCCGCCCGGCTGCAGCTGAGCCA[A>C]CTCAAGGTGTGGGGTGGGGTCAGCGCAATCAGGGTTGGGTGGGGTGTGCTCAGGCTTAGG-3'
Protein context (NP_006758.2, residues 583-603): CESAARLQLS[Gln593His]LKEHCLNFVV